The following is an entry in ClinVar:

ClinVar aggregate classification (germline): Uncertain significance (1 of 4 stars; one submission).

gnomAD v4.1: 3 of 1,614,218 alleles (0.00019%); highest among the groups gnomAD compares: Admixed American, 0.005%; no homozygotes.

Submission:

Women's Health and Genetics/Laboratory Corporation of America, LabCorp
Classification: Uncertain significance. Last evaluated: 2025-03-17. Review status: criteria provided, single submitter. Criteria: LabCorp Variant Classification Summary - May 2015. Collection method: clinical testing. Allele origin: germline.
Comment: Variant summary: DIP2B c.482C>G (p.Ser161Cys) results in a non-conservative amino acid change in the encoded protein sequence. Three of five in-silico tools predict a damaging effect of the variant on protein function. The variant allele was found at a frequency of 1.9e-06 in 1607244 control chromosomes. The available data on variant occurrences in the general population are insufficient to allow any conclusion about variant significance. To our knowledge, no occurrence of c.482C>G in individuals affected with Intellectual Disability, FRA12A Type and no experimental evidence demonstrating its impact on protein function have been reported. No submitters have cited clinical-significance assessments for this variant to ClinVar. Based on the evidence outlined above, the variant was classified as uncertain significance.

NM_173602.3(DIP2B):c.482C>G (p.Ser161Cys)

Gene: DIP2B (disco interacting protein 2 homolog B; plus strand). Cytogenetic location: 12q13.12.
Variant type: single nucleotide variant.
Coding change: c.482C>G on transcript NM_173602.3 (MANE Select); coding-DNA position 482, C replaced by G.
Protein change: p.Ser161Cys; replaces serine 161 with cysteine.
Molecular consequence: missense variant.
Genome position (GRCh38, 1-based): chr12:50,671,240, C>G. VCF-style: chr12-50671240-C-G. GRCh37 (hg19) VCF-style: chr12-51065023-C-G.
Other names: short protein forms S161C.
Identifiers: ClinVar variation 3895586 (VCV003895586.1).
Genomic context (GRCh38, chr12:50,671,240, plus strand): 5'-ACACAGACACATCTTCGGCCTCTGAGGATGAGGGCTCTCTGAGACGCCAAGCTGCGCTCT[C>G]TGCTGCCTTGCAACAGAGCTTACAGAATGCTGAGTCCTGGATCAACCGTTCAATTCAGGG-3'
Protein context (NP_775873.2, residues 151-171): EGSLRRQAAL[Ser161Cys]AALQQSLQNA